The following is an entry in ClinVar:

ClinVar aggregate classification (germline): Uncertain significance (1 of 4 stars; one submission).

Conditions:
Leber congenital amaurosis 2 (LCA2). Also called: AMAUROSIS CONGENITA OF LEBER II; Autosomal Recessive RPE65-Related Retinal Degeneration. Identifiers: Orphanet 65, MedGen C1859844, MONDO:0008765, OMIM 204100. Disease mechanism: loss of function.
Retinitis pigmentosa 20 (RP20). Identifiers: Orphanet 791, MedGen C3151086, MONDO:0013425, OMIM 613794.

Submission:

Labcorp Genetics (formerly Invitae), Labcorp
Classification: Uncertain significance for Leber congenital amaurosis 2; Retinitis pigmentosa 20. Last evaluated: 2025-09-06. Review status: criteria provided, single submitter. Criteria: Invitae Variant Classification Sherloc (09022015). Collection method: clinical testing. Allele origin: germline.
Comment: This sequence change replaces proline, which is neutral and non-polar, with alanine, which is neutral and non-polar, at codon 47 of the RPE65 protein (p.Pro47Ala). This variant is not present in population databases (gnomAD no frequency). This variant has not been reported in the literature in individuals affected with RPE65-related conditions. Invitae Evidence Modeling of protein sequence and biophysical properties (such as structural, functional, and spatial information, amino acid conservation, physicochemical variation, residue mobility, and thermodynamic stability) indicates that this missense variant is not expected to disrupt RPE65 protein function with a negative predictive value of 80%. In summary, the available evidence is currently insufficient to determine the role of this variant in disease. Therefore, it has been classified as a Variant of Uncertain Significance.

NM_000329.3(RPE65):c.139C>G (p.Pro47Ala)

Gene: RPE65 (retinoid isomerohydrolase RPE65; minus strand). Cytogenetic location: 1p31.3.
Variant type: single nucleotide variant.
Coding change: c.139C>G on transcript NM_000329.3 (MANE Select); coding-DNA position 139, C replaced by G.
Protein change: p.Pro47Ala; replaces proline 47 with alanine.
Molecular consequence: missense variant. On other transcripts: 5 prime UTR variant (1), intron variant (1).
Genome position (GRCh38, 1-based): chr1:68,446,816, G>C on the plus strand (C>G on the coding strand, the complement: RPE65 is on the minus strand). VCF-style: chr1-68446816-G-C. GRCh37 (hg19) VCF-style: chr1-68912499-G-C.
Other names: c.139C>G, p.Pro47Ala (NM_001406853.1, NM_001406859.1, NM_001406860.1); c.-138C>G (NM_001406857.1); c.-32+1808C>G (NM_001406856.1); short protein forms P47A.
Identifiers: ClinVar variation 4792501 (VCV004792501.1).
Genomic context (GRCh38, chr1:68,446,816, plus strand): 5'-GGAGGGCTTGCCCATCAAACAGGTGGTAAAATGGCTCAGATCCAACTTCAAAGAGTCCTG[G>C]CCCACATCGAAGGAGACTGCCGGTGAGCCAGAGGGGGATCCTGCCTGTGATGAAGGGGAG-3'
Protein context (NP_000320.1, residues 37-57): WLTGSLLRCG[Pro47Ala]GLFEVGSEPF